The following is an entry in ClinVar:

NM_000179.3(MSH6):c.3236T>C (p.Ile1079Thr)

Gene: MSH6 (mutS homolog 6; plus strand). Cytogenetic location: 2p16.3.
Variant type: single nucleotide variant.
Coding change: c.3236T>C on transcript NM_000179.3 (MANE Select); coding-DNA position 3236, T replaced by C.
Protein change: p.Ile1079Thr; replaces isoleucine 1079 with threonine.
Molecular consequence: missense variant.
Genome position (GRCh38, 1-based): chr2:47,803,483, T>C. VCF-style: chr2-47803483-T-C. GRCh37 (hg19) VCF-style: chr2-48030622-T-C.
Other names: c.2846T>C, p.Ile949Thr (NM_001281492.2); c.2330T>C, p.Ile777Thr (NM_001281493.2, NM_001281494.2); short protein forms I1079T, I777T, I949T.
Identifiers: ClinVar variation 1064294 (VCV001064294.11), dbSNP rs2104474781, ClinGen allele CA346758068.

ClinVar aggregate classification (germline): Uncertain significance. Review status: criteria provided, multiple submitters, no conflicts (2 of 4 stars). 2 submissions from 2 submitters: Uncertain significance (2). Last evaluated 2020-07-14.

Conditions:
Hereditary cancer-predisposing syndrome. Also called: Hereditary Cancer Syndrome; Hereditary neoplastic syndrome; Neoplastic Syndromes, Hereditary; Tumor predisposition. Identifiers: Orphanet 140162, MedGen C0027672, MeSH D009386, MONDO:0015356.
Hereditary nonpolyposis colorectal neoplasms. Identifiers: MedGen C0009405, MeSH D003123.

Submissions (2):

Labcorp Genetics (formerly Invitae), Labcorp
Classification: Uncertain significance for Hereditary nonpolyposis colorectal neoplasms. Last evaluated: 2020-07-14. Review status: criteria provided, single submitter. Criteria: Invitae Variant Classification Sherloc (09022015). Collection method: clinical testing. Allele origin: germline.
Comment: This sequence change replaces isoleucine with threonine at codon 1079 of the MSH6 protein (p.Ile1079Thr). The isoleucine residue is moderately conserved and there is a moderate physicochemical difference between isoleucine and threonine. In summary, the available evidence is currently insufficient to determine the role of this variant in disease. Therefore, it has been classified as a Variant of Uncertain Significance. Algorithms developed to predict the effect of missense changes on protein structure and function are either unavailable or do not agree on the potential impact of this missense change (SIFT: "Deleterious"; PolyPhen-2: "Benign"; Align-GVGD: "Class C25"). This variant has not been reported in the literature in individuals with MSH6-related conditions. This variant is not present in population databases (ExAC no frequency).

Ambry Genetics
Classification: Uncertain significance for Hereditary cancer-predisposing syndrome. Last evaluated: 2019-04-27. Review status: criteria provided, single submitter. Criteria: Ambry Variant Classification Scheme 2023. Collection method: clinical testing. Allele origin: germline.
Comment: The p.I1079T variant (also known as c.3236T>C), located in coding exon 5 of the MSH6 gene, results from a T to C substitution at nucleotide position 3236. The isoleucine at codon 1079 is replaced by threonine, an amino acid with similar properties. This amino acid position is not well conserved in available vertebrate species. In addition, this alteration is predicted to be deleterious by in silico analysis. In addition, the CoDP in silico tool predicts this alteration to have a minor impact on molecular function, with a score of 0.471 (Terui H et al. J. Biomed. Sci. 2013 Apr;20:25). Since supporting evidence is limited at this time, the clinical significance of this alteration remains unclear.